The following is an entry in ClinVar:

NM_033028.5(BBS4):c.1171G>A (p.Ala391Thr)

Gene: BBS4 (Bardet-Biedl syndrome 4; plus strand). Cytogenetic location: 15q24.1.
Variant type: single nucleotide variant.
Coding change: c.1171G>A on transcript NM_033028.5 (MANE Select); coding-DNA position 1171, G replaced by A.
Protein change: p.Ala391Thr; replaces alanine 391 with threonine.
Molecular consequence: missense variant. On other transcripts: non-coding transcript variant (2).
Genome position (GRCh38, 1-based): chr15:72,735,889, G>A. VCF-style: chr15-72735889-G-A. GRCh37 (hg19) VCF-style: chr15-73028230-G-A.
Other names: c.1171G>A (NM_033028.3, NM_033028.4); c.655G>A, p.Ala219Thr (NM_001252678.2); c.1102G>A, p.Ala368Thr (NM_001320665.2); short protein forms A219T, A391T, A368T.
Identifiers: ClinVar variation 1448820 (VCV001448820.7), dbSNP rs370963556, ClinGen allele CA7646935.

ClinVar aggregate classification (germline): Uncertain significance. Review status: criteria provided, multiple submitters, no conflicts (2 of 4 stars). 5 submissions from 5 submitters: Uncertain significance (5). Last evaluated 2024-08-07.

Conditions:
Inborn genetic diseases. Identifiers: MedGen C0950123, MeSH D030342.
BBS4-related disorder. Also called: BBS4-related condition.
Bardet-Biedl syndrome (BBS). Identifiers: Orphanet 110, MedGen C0752166, MONDO:0015229.
Bardet-Biedl syndrome 4 (BBS4). Identifiers: Orphanet 110, MedGen C2936864, MONDO:0014433, OMIM 615982.

Allele frequency attached by ClinVar (database versions not stated): ExAC 0.00002; gnomAD exomes 0.00002; gnomAD 0.00003 and 0.00004; TOPMed 0.00003; ESP Exome Variant Server 0.00008.
gnomAD v4.1: 31 of 1,613,920 alleles (0.0019%); highest among the groups gnomAD compares: East Asian, 0.018%; no homozygotes.

Submissions (5):

Ambry Genetics
Classification: Uncertain significance for Inborn genetic diseases. Last evaluated: 2024-08-07. Review status: criteria provided, single submitter. Criteria: Ambry Variant Classification Scheme 2023. Collection method: clinical testing. Allele origin: germline.

Fulgent Genetics
Classification: Uncertain significance for Bardet-Biedl syndrome 4. Last evaluated: 2024-01-29. Review status: criteria provided, single submitter. Criteria: ACMG Guidelines, 2015. Collection method: clinical testing. Allele origin: germline.

Blueprint Genetics
Classification: Uncertain significance. Last evaluated: 2024-01-10. Review status: criteria provided, single submitter. Criteria: ACMG Guidelines, 2015. Collection method: clinical testing. Allele origin: germline.

PreventionGenetics, part of Exact Sciences
Classification: Uncertain significance for BBS4-related condition. Last evaluated: 2023-05-23. Review status: criteria provided, single submitter. Criteria: ACMG Guidelines, 2015. Collection method: clinical testing. Allele origin: germline.
Comment: The BBS4 c.1171G>A variant is predicted to result in the amino acid substitution p.Ala391Thr. To our knowledge, this variant has not been reported in the literature. This variant is reported in 0.0058% of alleles in individuals of Latino descent in gnomAD. At this time, the clinical significance of this variant is uncertain due to the absence of conclusive functional and genetic evidence.

Labcorp Genetics (formerly Invitae), Labcorp
Classification: Uncertain significance for Bardet-Biedl syndrome. Last evaluated: 2022-08-09. Review status: criteria provided, single submitter. Criteria: Invitae Variant Classification Sherloc (09022015). Collection method: clinical testing. Allele origin: germline.
Comment: This sequence change replaces alanine, which is neutral and non-polar, with threonine, which is neutral and polar, at codon 391 of the BBS4 protein (p.Ala391Thr). This variant is present in population databases (rs370963556, gnomAD 0.006%). This variant has not been reported in the literature in individuals affected with BBS4-related conditions. ClinVar contains an entry for this variant (Variation ID: 1448820). Algorithms developed to predict the effect of missense changes on protein structure and function are either unavailable or do not agree on the potential impact of this missense change (SIFT: "Deleterious"; PolyPhen-2: "Possibly Damaging"; Align-GVGD: "Class C0"). In summary, the available evidence is currently insufficient to determine the role of this variant in disease. Therefore, it has been classified as a Variant of Uncertain Significance.